The following is an entry in ClinVar:

ClinVar aggregate classification (germline): Benign/Likely benign. Review status: criteria provided, multiple submitters, no conflicts (2 of 4 stars). 4 submissions from 4 submitters: Benign (1); Likely benign (3). Last evaluated 2025-08-31.

Allele frequency attached by ClinVar (database versions not stated): TOPMed 0.00127; 1000 Genomes Project 0.00140; 1000 Genomes Project 30x 0.00172.
gnomAD v4.1: 1,013 of 1,612,834 alleles (0.063%); highest among the groups gnomAD compares: East Asian, 1.2%; 8 homozygotes.

Submissions (4):

Labcorp Genetics (formerly Invitae), Labcorp
Classification: Benign. Last evaluated: 2025-08-31. Review status: criteria provided, single submitter. Criteria: Invitae Variant Classification Sherloc (09022015). Collection method: clinical testing. Allele origin: germline.

Blueprint Genetics
Classification: Likely benign. Last evaluated: 2024-10-15. Review status: criteria provided, single submitter. Criteria: ACMG Guidelines, 2015. Collection method: clinical testing. Allele origin: germline.

GeneDx
Classification: Likely benign. Last evaluated: 2017-12-11. Review status: criteria provided, single submitter. Criteria: GeneDx Variant Classification (06012015). Collection method: clinical testing. Allele origin: germline. Affected: yes.
Comment: This variant is considered likely benign or benign based on one or more of the following criteria: it is a conservative change, it occurs at a poorly conserved position in the protein, it is predicted to be benign by multiple in silico algorithms, and/or has population frequency not consistent with disease.

Breakthrough Genomics
Classification: Likely benign. Review status: criteria provided, single submitter. Criteria: ACMG Guidelines, 2015. Collection method: not provided. Allele origin: germline. Inheritance: Autosomal recessive inheritance. Affected: yes.

NM_025150.5(TARS2):c.1719-16C>T

Gene: TARS2 (threonyl-tRNA synthetase 2, mitochondrial; plus strand). Cytogenetic location: 1q21.2.
Variant type: single nucleotide variant.
Coding change: c.1719-16C>T on transcript NM_025150.5 (MANE Select); 16 bases into the intron before coding-DNA position 1719, C replaced by T.
Molecular consequence: intron variant.
Genome position (GRCh38, 1-based): chr1:150,504,616, C>T. VCF-style: chr1-150504616-C-T. GRCh37 (hg19) VCF-style: chr1-150477092-C-T.
Other names: c.1473-16C>T (NM_001271895.2); c.1329-16C>T (NM_001271896.2).
Identifiers: ClinVar variation 383636 (VCV000383636.11), dbSNP rs113876911, ClinGen allele CA1077126.
Genomic context (GRCh38, chr1:150,504,616, plus strand): 5'-AACTGGAAGGTGATCTTGGGTACACAATTCGTGATACTTCCACCATTCCATCCACCCCCC[C>T]CTTTTTCCTTTCAAGGCAGGCGGGTGCCCTGGAGCGTCCAGTCCTCATTCACCGAGCAGT-3'